The following is an entry in ClinVar:

NM_000812.4(GABRB1):c.566T>C (p.Ile189Thr)

Gene: GABRB1 (gamma-aminobutyric acid type A receptor subunit beta1; plus strand). Cytogenetic location: 4p12.
Variant type: single nucleotide variant.
Coding change: c.566T>C on transcript NM_000812.4 (MANE Select); coding-DNA position 566, T replaced by C.
Protein change: p.Ile189Thr; replaces isoleucine 189 with threonine.
Molecular consequence: missense variant.
Genome position (GRCh38, 1-based): chr4:47,403,339, T>C. VCF-style: chr4-47403339-T-C. GRCh37 (hg19) VCF-style: chr4-47405356-T-C.
Other names: short protein forms I189T.
Identifiers: ClinVar variation 1939551 (VCV001939551.5), dbSNP rs779037879, ClinGen allele CA2907640.

ClinVar aggregate classification (germline): Uncertain significance (1 of 4 stars; one submission).

Allele frequency attached by ClinVar (database versions not stated): ExAC 0.00001; gnomAD 0.00001; gnomAD exomes 0.00001; TOPMed 0.00001.
gnomAD v4.1: 15 of 1,613,886 alleles (0.00093%); highest among the groups gnomAD compares: South Asian, 0.0033%; no homozygotes.

Submission:

Labcorp Genetics (formerly Invitae), Labcorp
Classification: Uncertain significance. Last evaluated: 2022-08-27. Review status: criteria provided, single submitter. Criteria: Invitae Variant Classification Sherloc (09022015). Collection method: clinical testing. Allele origin: germline.
Comment: This variant is present in population databases (rs779037879, gnomAD 0.003%). This sequence change replaces isoleucine, which is neutral and non-polar, with threonine, which is neutral and polar, at codon 189 of the GABRB1 protein (p.Ile189Thr). This variant has not been reported in the literature in individuals affected with GABRB1-related conditions. Advanced modeling of protein sequence and biophysical properties (such as structural, functional, and spatial information, amino acid conservation, physicochemical variation, residue mobility, and thermodynamic stability) performed at Invitae indicates that this missense variant is expected to disrupt GABRB1 protein function. In summary, the available evidence is currently insufficient to determine the role of this variant in disease. Therefore, it has been classified as a Variant of Uncertain Significance.